The following is an entry in ClinVar:

NM_000548.5(TSC2):c.4780C>G (p.Leu1594Val)

Gene: TSC2 (TSC complex subunit 2; plus strand). Cytogenetic location: 16p13.3.
Variant type: single nucleotide variant.
Coding change: c.4780C>G on transcript NM_000548.5 (MANE Select); coding-DNA position 4780, C replaced by G.
Protein change: p.Leu1594Val; replaces leucine 1594 with valine.
Molecular consequence: missense variant.
Genome position (GRCh38, 1-based): chr16:2,086,310, C>G. VCF-style: chr16-2086310-C-G. GRCh37 (hg19) VCF-style: chr16-2136311-C-G.
Other names: c.4579C>G, p.Leu1527Val (NM_001077183.3); c.4711C>G, p.Leu1571Val (NM_001114382.3); c.4471C>G, p.Leu1491Val (NM_001318827.2); c.4435C>G, p.Leu1479Val (NM_001318829.2); c.4048C>G, p.Leu1350Val (NM_001318831.2); c.4612C>G, p.Leu1538Val (NM_001318832.2); c.4582C>G, p.Leu1528Val (NM_001363528.2); c.4648C>G, p.Leu1550Val (NM_001370404.1); and 26 more; short protein forms L1102V, L1103V, L1328V, L1479V, L1523V, L1594V, L1080V, L1327V.
Identifiers: ClinVar variation 1743048 (VCV001743048.4), dbSNP rs45511204, ClinGen allele CA394307944.

ClinVar aggregate classification (germline): Uncertain significance. Review status: criteria provided, multiple submitters, no conflicts (2 of 4 stars). 2 submissions from 2 submitters: Uncertain significance (2). Last evaluated 2025-12-19.

Conditions:
Hereditary cancer-predisposing syndrome. Also called: Tumor predisposition; Hereditary Cancer Syndrome; Hereditary neoplastic syndrome; Neoplastic Syndromes, Hereditary. Identifiers: Orphanet 140162, MedGen C0027672, MeSH D009386, MONDO:0015356.
Tuberous sclerosis 2 (TSC2). Identifiers: Orphanet 805, MedGen C1860707, MONDO:0013199, OMIM 613254.

Submissions (2):

Ambry Genetics
Classification: Uncertain significance for Hereditary cancer-predisposing syndrome. Last evaluated: 2025-12-19. Review status: criteria provided, single submitter. Criteria: Ambry Variant Classification Scheme 2023. Collection method: clinical testing. Allele origin: germline.
Comment: The p.L1594V variant (also known as c.4780C>G), located in coding exon 36 of the TSC2 gene, results from a C to G substitution at nucleotide position 4780. The leucine at codon 1594 is replaced by valine, an amino acid with highly similar properties. This amino acid position is conserved. In addition, this alteration is predicted to be deleterious by in silico analysis. Based on the available evidence, the clinical significance of this variant remains unclear.

Labcorp Genetics (formerly Invitae), Labcorp
Classification: Uncertain significance for Tuberous sclerosis 2. Last evaluated: 2025-04-03. Review status: criteria provided, single submitter. Criteria: Invitae Variant Classification Sherloc (09022015). Collection method: clinical testing. Allele origin: germline.
Comment: This sequence change replaces leucine, which is neutral and non-polar, with valine, which is neutral and non-polar, at codon 1594 of the TSC2 protein (p.Leu1594Val). This variant is not present in population databases (gnomAD no frequency). This variant has not been reported in the literature in individuals affected with TSC2-related conditions. ClinVar contains an entry for this variant (Variation ID: 1743048). Invitae Evidence Modeling of protein sequence and biophysical properties (such as structural, functional, and spatial information, amino acid conservation, physicochemical variation, residue mobility, and thermodynamic stability) indicates that this missense variant is not expected to disrupt TSC2 protein function with a negative predictive value of 95%. In summary, the available evidence is currently insufficient to determine the role of this variant in disease. Therefore, it has been classified as a Variant of Uncertain Significance.